The following continues an entry in ClinVar:

NM_000104.4(CYP1B1):c.1064_1076del (p.Arg355fs)

Gene: CYP1B1. ClinVar aggregate classification (germline): Pathogenic. Pathogenic (1).

Submissions 11 to 19 of 19:

Laboratory for Molecular Medicine, Mass General Brigham Personalized Medicine
Classification: Pathogenic for Glaucoma 3A. Last evaluated: 2023-07-28. Review status: criteria provided, single submitter. Criteria: ACMG Guidelines, 2015. Collection method: clinical testing. Allele origin: germline. Inheritance: Autosomal recessive inheritance. Not counted in ClinVar's aggregate classification.
Comment: The p.Arg355HisfsX69 variant in CYP1B1 has been reported in at least 2 homozygous and 4 compound heterozygous individuals with primary congenital glaucoma and segregated with disease in at least 6 affected family members from 4 families (Garcia-Anton 2017 PMID: 28448622, Campos-Mollo 2009 PMID: 19234632, Lim 2013 PMID: 23218701, Stoilov 1997 PMID: 9097971). It has been identified in 0.056% (6/10626) Finnish chromosomes by gnomAD (v3.1.2) and has also been reported in ClinVar (Variation ID 282654). This variant is predicted to cause a frameshift, which alters the protein's amino acid sequence beginning at position 355 and leads to a premature termination codon 69 amino acids downstream. The termination codon occurs within the last exon and is, therefore, likely to escape nonsense mediated decay (NMD) and result in a truncated protein that is missing >10% of the coding region. Loss of function of the CYP1B1 gene is an established disease mechanism in primary congenital glaucoma. In summary, this variant meets criteria to be classified as pathogenic for autosomal recessive primary congenital glaucoma. ACMG/AMP criteria applied: PVS1_Strong, PP1_Strong, PM3_Very_Strong

Department of Human Genetics, Hannover Medical School
Classification: Pathogenic for Glaucoma 3A. Last evaluated: 2022-11-14. Review status: criteria provided, single submitter. Criteria: ACMG Guidelines, 2015. Collection method: clinical testing. Allele origin: germline. Inheritance: Autosomal recessive inheritance. Affected: yes. Not counted in ClinVar's aggregate classification.

Genetics and Molecular Pathology, SA Pathology
Classification: Pathogenic for Glaucoma 3A. Last evaluated: 2021-10-11. Review status: criteria provided, single submitter. Criteria: ACMG Guidelines, 2015. Collection method: clinical testing. Allele origin: germline. Affected: yes. Not counted in ClinVar's aggregate classification.

Molecular Diagnostics Laboratory, M Health Fairview: University of Minnesota
Classification: Pathogenic for Anterior segment dysgenesis 6. Last evaluated: 2021-08-25. Review status: criteria provided, single submitter. Criteria: ACMG Guidelines, 2015. Collection method: clinical testing. Allele origin: germline. Affected: yes. Not counted in ClinVar's aggregate classification.

Centre for Mendelian Genomics, University Medical Centre Ljubljana
Classification: Pathogenic for Glaucoma 3A. Last evaluated: 2019-05-31. Review status: criteria provided, single submitter. Criteria: ACMG Guidelines, 2015. Collection method: clinical testing. Allele origin: unknown. Affected: yes. Not counted in ClinVar's aggregate classification.
Comment: This variant was classified as: Pathogenic. The following ACMG criteria were applied in classifying this variant: PVS1,PS1.

CeGaT Center for Human Genetics Tuebingen
Classification: Pathogenic. Last evaluated: 2016-12-01. Review status: criteria provided, single submitter. Criteria: CeGaT Center For Human Genetics Tuebingen Variant Classification Criteria Version 2. Collection method: clinical testing. Allele origin: germline. Affected: yes. Observed: 2 variant alleles. Not counted in ClinVar's aggregate classification.

Eurofins Ntd Llc (ga)
Classification: Pathogenic. Last evaluated: 2015-08-31. Review status: criteria provided, single submitter. Criteria: EGL Classification Definitions 2015. Collection method: clinical testing. Allele origin: germline. Observed: 1 variant allele, 1 heterozygote. Not counted in ClinVar's aggregate classification.

Institute of Medical Molecular Genetics, University of Zurich
Classification: Pathogenic for Glaucoma 3A. Last evaluated: 2019-08-01. Review status: no assertion criteria provided. Collection method: research. Allele origin: unknown, paternal, maternal. Affected: no and yes. Observed: 1 heterozygote, 4 compound heterozygotes. Segregation with disease observed. Not counted in ClinVar's aggregate classification.

OMIM
Classification: Pathogenic for GLAUCOMA 3, PRIMARY CONGENITAL, A. Last evaluated: 1997-04-01. Review status: no assertion criteria provided. Collection method: literature only. Allele origin: germline. Not counted in ClinVar's aggregate classification.

Literature cited by the submitters: PubMed 9097971 (cited by 6 submitters); PubMed 28448622 (cited by 3 submitters); PubMed 23218701 (cited by Laboratory for Molecular Medicine, Mass General Brigham Personalized Medicine and Eurofins Ntd Llc (ga)); PubMed 19234632 (cited by Laboratory for Molecular Medicine, Mass General Brigham Personalized Medicine); PubMed 16735994 (cited by Eurofins Ntd Llc (ga)); PubMed 32832252 (cited by Institute of Medical Molecular Genetics, University of Zurich).